The following is an entry in ClinVar:

NM_014704.4(CEP104):c.588G>A (p.Pro196=)

Gene: CEP104 (centrosomal protein 104; minus strand). Cytogenetic location: 1p36.32.
Variant type: single nucleotide variant.
Coding change: c.588G>A on transcript NM_014704.4 (MANE Select); coding-DNA position 588, G replaced by A.
Protein change: p.Pro196=; no amino-acid change (proline 196 retained).
Molecular consequence: synonymous variant.
Genome position (GRCh38, 1-based): chr1:3,839,755, C>T on the plus strand (G>A on the coding strand, the complement: CEP104 is on the minus strand). VCF-style: chr1-3839755-C-T. GRCh37 (hg19) VCF-style: chr1-3756319-C-T.
Other names: p.Pro196=.
Identifiers: ClinVar variation 767111 (VCV000767111.39), dbSNP rs141751043, ClinGen allele CA551871.

ClinVar aggregate classification (germline): Benign/Likely benign. Review status: criteria provided, multiple submitters, no conflicts (2 of 4 stars). 6 submissions from 6 submitters: Benign (1); Likely benign (5). Last evaluated 2026-01-27.

Conditions:
Joubert syndrome 25 (JBTS25). Identifiers: Orphanet 475, MedGen C4084842, MONDO:0014770, OMIM 616781.

Allele frequency attached by ClinVar (database versions not stated): gnomAD exomes 0.00018 and 0.00042; ExAC 0.00056; 1000 Genomes Project 0.00160; gnomAD 0.00162 and 0.00173; 1000 Genomes Project 30x 0.00172; TOPMed 0.00172; ESP Exome Variant Server 0.00208.
gnomAD v4.1: 519 of 1,612,194 alleles (0.032%); highest among the groups gnomAD compares: African/African-American, 0.58%; no homozygotes.

Submissions (6):

Labcorp Genetics (formerly Invitae), Labcorp
Classification: Benign for Joubert syndrome 25. Last evaluated: 2026-01-27. Review status: criteria provided, single submitter. Criteria: Invitae Variant Classification Sherloc (09022015). Collection method: clinical testing. Allele origin: germline.

Mayo Clinic Laboratories, Mayo Clinic
Classification: Likely benign. Last evaluated: 2025-12-14. Review status: criteria provided, single submitter. Criteria: ACMG Guidelines, 2015. Collection method: clinical testing. Allele origin: germline. Observed: 1 variant allele.
Comment: BS1, BP4, BP7

Blueprint Genetics
Classification: Likely benign. Last evaluated: 2024-09-11. Review status: criteria provided, single submitter. Criteria: ACMG Guidelines, 2015. Collection method: clinical testing. Allele origin: germline.

CeGaT Center for Human Genetics Tuebingen
Classification: Likely benign. Last evaluated: 2024-07-01. Review status: criteria provided, single submitter. Criteria: CeGaT Center For Human Genetics Tuebingen Variant Classification Criteria Version 2. Collection method: clinical testing. Allele origin: germline. Affected: yes. Observed: 2 variant alleles.
Comment: CEP104: BP4, BP7

GeneDx
Classification: Likely benign. Last evaluated: 2020-07-06. Review status: criteria provided, single submitter. Criteria: GeneDx Variant Classification Process June 2021. Collection method: clinical testing. Allele origin: germline. Affected: yes.

Breakthrough Genomics
Classification: Likely benign. Review status: criteria provided, single submitter. Criteria: ACMG Guidelines, 2015. Collection method: not provided. Allele origin: germline. Inheritance: Autosomal recessive inheritance. Affected: yes.